The following is an entry in ClinVar:

ClinVar aggregate classification (germline): Pathogenic/Likely pathogenic. Review status: criteria provided, multiple submitters, no conflicts (2 of 4 stars). 13 submissions from 13 submitters: Pathogenic (10); Likely pathogenic (2). 1 of the submissions does not count toward it. Last evaluated 2025-12-24.

Conditions:
DDC-related disorder. Also called: DDC-related condition.
Deficiency of aromatic-L-amino-acid decarboxylase. Also called: Aromatic amino acid decarboxylase deficiency; AADC DEFICIENCY; Aromatic L-Amino Acid Decarboxylase Deficiency; DDC DEFICIENCY; DOPA DECARBOXYLASE DEFICIENCY. Identifiers: Orphanet 35708, MedGen C1291564, MONDO:0012084, OMIM 608643.

Allele frequency attached by ClinVar (database versions not stated): gnomAD 0.00003; TOPMed 0.00003; ExAC 0.00004; gnomAD exomes 0.00005.
gnomAD v4.1: 63 of 1,612,320 alleles (0.0039%); highest among the groups gnomAD compares: South Asian, 0.0077%; no homozygotes.

Submissions (13):

Labcorp Genetics (formerly Invitae), Labcorp
Classification: Pathogenic for Deficiency of aromatic-L-amino-acid decarboxylase. Last evaluated: 2025-12-24. Review status: criteria provided, single submitter. Criteria: Invitae Variant Classification Sherloc (09022015). Collection method: clinical testing. Allele origin: germline.
Comment: This sequence change replaces arginine, which is basic and polar, with glutamine, which is neutral and polar, at codon 347 of the DDC protein (p.Arg347Gln). This variant is present in population databases (rs201951824, gnomAD 0.01%). This missense change has been observed in individual(s) with aromatic L-amino acid decarboxylase deficiency (PMID: 17240182, 23430870, 30144970). In at least one individual the data is consistent with being in trans (on the opposite chromosome) from a pathogenic variant. It has also been observed to segregate with disease in related individuals. ClinVar contains an entry for this variant (Variation ID: 202181). An algorithm developed to predict the effect of missense changes on protein structure and function (PolyPhen-2) suggests that this variant is likely to be tolerated. For these reasons, this variant has been classified as Pathogenic.

Fulgent Genetics
Classification: Likely pathogenic for Deficiency of aromatic-L-amino-acid decarboxylase. Last evaluated: 2024-03-18. Review status: criteria provided, single submitter. Criteria: ACMG Guidelines, 2015. Collection method: clinical testing. Allele origin: germline.

Blueprint Genetics
Classification: Pathogenic for DDC-related disorders. Last evaluated: 2023-09-26. Review status: criteria provided, single submitter. Criteria: ACMG Guidelines, 2015. Collection method: clinical testing. Allele origin: germline. Affected: yes. Observed: 5 variant alleles.

GeneDx
Classification: Pathogenic. Last evaluated: 2023-01-31. Review status: criteria provided, single submitter. Criteria: GeneDx Variant Classification Process June 2021. Collection method: clinical testing. Allele origin: germline. Affected: yes.
Comment: Also observed with a second DDC variant in patients with AADC deficiency in published literature (Verbeek et al., 2007; Barth et al., 2012); In silico analysis supports that this missense variant has a deleterious effect on protein structure/function; Published functional studies demonstrate severely reduced catalytic activity (Montioli et al., 2014; Montioli et al., 2016); Not observed at significant frequency in large population cohorts (gnomAD); This variant is associated with the following publications: (PMID: 32369189, 17240182, 23430870, 20832343, 24865461, 26994895, 29356298, 30144970, 28100251, 31104889, 31975548, 27147232, 33763332, 32111562, 34426522, 34582790, 33083013)

Baylor Genetics
Classification: Pathogenic for Deficiency of aromatic-L-amino-acid decarboxylase. Last evaluated: 2022-10-23. Review status: criteria provided, single submitter. Criteria: ACMG Guidelines, 2015. Collection method: clinical testing. Allele origin: unknown.

Revvity Omics, Revvity
Classification: Pathogenic for Deficiency of aromatic-L-amino-acid decarboxylase. Last evaluated: 2022-06-28. Review status: criteria provided, single submitter. Criteria: ACMG Guidelines, 2015. Collection method: clinical testing. Allele origin: germline.

Genetics and Molecular Pathology, SA Pathology
Classification: Pathogenic for Deficiency of aromatic-L-amino-acid decarboxylase. Last evaluated: 2022-05-11. Review status: criteria provided, single submitter. Criteria: ACMG Guidelines, 2015. Collection method: clinical testing. Allele origin: germline. Inheritance: Autosomal recessive inheritance. Affected: yes.

Dasa
Classification: Pathogenic for Deficiency of aromatic-L-amino-acid decarboxylase. Last evaluated: 2022-01-05. Review status: criteria provided, single submitter. Criteria: ACMG Guidelines, 2015. Collection method: clinical testing. Allele origin: germline. Affected: yes. Observed: 1 variant allele.
Comment: The c.1040G>A;p.(Arg347Gln) missense variant has been observed in affected individual(s) and ClinVar contains an entry for this variant (ClinVar ID: 202181; PMID: 26994895; 24865461; 30144970; 30952622) - PS4. Well-established in vitro or in vivo functional studies support a damaging effect on the gene or gene product (PMID: 24865461) - PS3_moderate. The variant is located in a mutational hot spot and/or critical and well-established functional domain (Pyridoxal_deC) - PM1. The variant is present at low allele frequencies population databases (rs201951824– gnomAD 0.0002629%; ABraOM no frequency) - PM2_supporting. Pathogenic missense variant in this residue have been reported (PMID: 26994895) - PM5. The variant co-segregated with disease in multiple affected family members (PMID: 30144970) - PP1. In summary, the currently available evidence indicates that the variant is pathogenic.

Women's Health and Genetics/Laboratory Corporation of America, LabCorp
Classification: Pathogenic for Deficiency of aromatic-L-amino-acid decarboxylase. Last evaluated: 2021-09-15. Review status: criteria provided, single submitter. Criteria: LabCorp Variant Classification Summary - May 2015. Collection method: clinical testing. Allele origin: germline.
Comment: Variant summary: DDC c.1040G>A (p.Arg347Gln) results in a conservative amino acid change located in the Pyridoxal phosphate-dependent transferase, major domain (IPR015421) of the encoded protein sequence. Three of five in-silico tools predict a benign effect of the variant on protein function. The variant allele was found at a frequency of 4.8e-05 in 249548 control chromosomes. This frequency is not significantly higher than expected for a pathogenic variant in DDC causing Deficiency Of Aromatic-L-Amino-Acid Decarboxylase (4.8e-05 vs 0.0011), allowing no conclusion about variant significance. c.1040G>A has been reported in the literature in multiple individuals affected with Deficiency Of Aromatic-L-Amino-Acid Decarboxylase (example Veerbeek_2007, Kuster_2018, Dai_2019). These data indicate that the variant is very likely to be associated with disease. At least one publication reports experimental evidence evaluating an impact on protein function. The most pronounced variant effect results in <10% of normal decarboxylase activity towards L-Dopa substrate as observed by decreased steady state enzyme kinetic parameters (example, Montoli_2018). No clinical diagnostic laboratories have submitted clinical-significance assessments for this variant to ClinVar after 2014. Based on the evidence outlined above, the variant was classified as pathogenic.

Laboratorio de Genetica e Diagnostico Molecular, Hospital Israelita Albert Einstein
Classification: Likely pathogenic. Last evaluated: 2021-03-31. Review status: criteria provided, single submitter. Criteria: ACMG Guidelines, 2015. Collection method: clinical testing. Allele origin: germline. Affected: yes.
Comment: ACMG classification criteria: PS3, PS4, PM2, PM3

CENTOGENE GmbH and LLC - Guiding Precision Medicine
Classification: Pathogenic for Aromatic L-amino acid decarboxylase deficiency. Review status: criteria provided, single submitter. Criteria: ACMG Guidelines, 2015. Collection method: clinical testing. Allele origin: germline. Affected: yes.

Kasturba Medical College, Manipal, Kasturba Medical College, Manipal, Manipal Academy of Higher Education, Manipal, India
Classification: Pathogenic for Deficiency of aromatic-L-amino-acid decarboxylase. Review status: criteria provided, single submitter. Criteria: ACMG Guidelines, 2015. Collection method: research. Allele origin: germline. Inheritance: Autosomal recessive inheritance. Affected: yes. Observed: 1 homozygote.
Comment: This variant is present in 63 individuals in heterozygous state and is absent in homozygous state in the population database gnomAD (v4.1.0). It is absent in homozygous and/or heterozygous state in our in-house database of 3650 exomes

Mendelics
Classification: Pathogenic for Deficiency of aromatic-L-amino-acid decarboxylase. Last evaluated: 2013-08-28. Review status: no assertion criteria provided. Collection method: clinical testing. Allele origin: unknown. Affected: yes. Not counted in ClinVar's aggregate classification.

Literature cited by the submitters: PubMed 17240182 (cited by 3 submitters); PubMed 23430870 (cited by Labcorp Genetics (formerly Invitae), Labcorp); PubMed 30144970 (cited by 4 submitters); PubMed 26994895 (cited by Dasa and Kasturba Medical College, Manipal, Kasturba Medical College, Manipal, Manipal Academy of Higher Education, Manipal, India); PubMed 24865461 (cited by Dasa); PubMed 30952622 (cited by Dasa); PubMed 28924877 (cited by Women's Health and Genetics/Laboratory Corporation of America, LabCorp); PubMed 29356298 (cited by Women's Health and Genetics/Laboratory Corporation of America, LabCorp); PubMed 20505134 (cited by Mendelics); PubMed 15079002 (cited by Mendelics).

NM_001082971.2(DDC):c.1040G>A (p.Arg347Gln)

Gene: DDC (dopa decarboxylase; minus strand). Cytogenetic location: 7p12.2.
Variant type: single nucleotide variant.
Coding change: c.1040G>A on transcript NM_001082971.2 (MANE Select); coding-DNA position 1040, G replaced by A.
Protein change: p.Arg347Gln; replaces arginine 347 with glutamine.
Molecular consequence: missense variant.
Genome position (GRCh38, 1-based): chr7:50,476,625, C>T on the plus strand (G>A on the coding strand, the complement: DDC is on the minus strand). VCF-style: chr7-50476625-C-T. GRCh37 (hg19) VCF-style: chr7-50544323-C-T.
Other names: c.1040G>A, p.Arg347Gln (NM_000790.4); c.926G>A, p.Arg309Gln (NM_001242886.2); c.896G>A, p.Arg299Gln (NM_001242887.2); c.806G>A, p.Arg269Gln (NM_001242888.2); c.761G>A, p.Arg254Gln (NM_001242889.2); short protein forms R347Q, R254Q, R269Q, R299Q, R309Q.
Identifiers: ClinVar variation 202181 (VCV000202181.28), dbSNP rs201951824, ClinGen allele CA203847.